The following is an entry in ClinVar:

ClinVar aggregate classification (germline): Uncertain significance (1 of 4 stars; one submission).

Conditions:
EGFR-related lung cancer (EGFR). Identifiers: MedGen CN130014.

gnomAD v4.1: 2 of 1,614,116 alleles (0.00012%); highest among the groups gnomAD compares: Non-Finnish European, 0.00017%; no homozygotes.

Submission:

Labcorp Genetics (formerly Invitae), Labcorp
Classification: Uncertain significance for EGFR-related lung cancer. Last evaluated: 2024-03-02. Review status: criteria provided, single submitter. Criteria: Invitae Variant Classification Sherloc (09022015). Collection method: clinical testing. Allele origin: germline.
Comment: This sequence change replaces leucine, which is neutral and non-polar, with glutamine, which is neutral and polar, at codon 406 of the EGFR protein (p.Leu406Gln). This variant is present in population databases (no rsID available, gnomAD 0.007%). This variant has not been reported in the literature in individuals affected with EGFR-related conditions. Advanced modeling of protein sequence and biophysical properties (such as structural, functional, and spatial information, amino acid conservation, physicochemical variation, residue mobility, and thermodynamic stability) performed at Invitae indicates that this missense variant is not expected to disrupt EGFR protein function with a negative predictive value of 80%. In summary, the available evidence is currently insufficient to determine the role of this variant in disease. Therefore, it has been classified as a Variant of Uncertain Significance.

NM_005228.5(EGFR):c.1217T>A (p.Leu406Gln)

Gene: EGFR (epidermal growth factor receptor; plus strand). Cytogenetic location: 7p11.2.
Variant type: single nucleotide variant.
Coding change: c.1217T>A on transcript NM_005228.5 (MANE Select); coding-DNA position 1217, T replaced by A.
Protein change: p.Leu406Gln; replaces leucine 406 with glutamine.
Molecular consequence: missense variant.
Genome position (GRCh38, 1-based): chr7:55,157,672, T>A. VCF-style: chr7-55157672-T-A. GRCh37 (hg19) VCF-style: chr7-55225365-T-A.
Other names: c.1082T>A, p.Leu361Gln (NM_001346897.2, NM_001346899.2); c.1217T>A, p.Leu406Gln (NM_001346898.2, NM_201282.2, NM_201284.2); c.1058T>A, p.Leu353Gln (NM_001346900.2); c.416T>A, p.Leu139Gln (NM_001346941.2); short protein forms L139Q, L353Q, L361Q, L406Q.
Identifiers: ClinVar variation 3609542 (VCV003609542.2).